The following is an entry in ClinVar:

NM_001999.4(FBN2):c.6840G>A (p.Pro2280=)

Gene: FBN2 (fibrillin 2; minus strand). Cytogenetic location: 5q23.3.
Variant type: single nucleotide variant.
Coding change: c.6840G>A on transcript NM_001999.4 (MANE Select); coding-DNA position 6840, G replaced by A.
Protein change: p.Pro2280=; no amino-acid change (proline 2280 retained).
Molecular consequence: synonymous variant.
Genome position (GRCh38, 1-based): chr5:128,287,348, C>T on the plus strand (G>A on the coding strand, the complement: FBN2 is on the minus strand). VCF-style: chr5-128287348-C-T. GRCh37 (hg19) VCF-style: chr5-127623040-C-T.
Identifiers: ClinVar variation 258525 (VCV000258525.13), dbSNP rs377742525, ClinGen allele CA3394303.

ClinVar aggregate classification (germline): Likely benign. Review status: criteria provided, multiple submitters, no conflicts (2 of 4 stars). 5 submissions from 5 submitters: Likely benign (5). Last evaluated 2026-04-01.

Conditions:
Congenital contractural arachnodactyly (CCA). Also called: Arthrogryposis, distal, type 9; Beals-Hecht syndrome; BEALS SYNDROME. Identifiers: Orphanet 115, MedGen C0220668, MONDO:0007363, OMIM 121050.
Familial thoracic aortic aneurysm and aortic dissection (TAAD). Also called: Thoracic aortic aneurysms and dissections. Identifiers: Orphanet 91387, MedGen C4707243, MONDO:0019625.

Allele frequency attached by ClinVar (database versions not stated): TOPMed 0.00002; ESP Exome Variant Server 0.00008.
gnomAD v4.1: 17 of 1,613,836 alleles (0.0011%); highest among the groups gnomAD compares: African/African-American, 0.013%; no homozygotes.

Submissions (5):

CeGaT Center for Human Genetics Tuebingen
Classification: Likely benign. Last evaluated: 2026-04-01. Review status: criteria provided, single submitter. Criteria: CeGaT Center For Human Genetics Tuebingen Variant Classification Criteria Version 2. Collection method: clinical testing. Allele origin: germline. Affected: yes. Observed: 1 variant allele.
Comment: FBN2: BP4, BP7

Labcorp Genetics (formerly Invitae), Labcorp
Classification: Likely benign for Congenital contractural arachnodactyly. Last evaluated: 2024-09-25. Review status: criteria provided, single submitter. Criteria: Invitae Variant Classification Sherloc (09022015). Collection method: clinical testing. Allele origin: germline.

Ambry Genetics
Classification: Likely benign for Familial thoracic aortic aneurysm and aortic dissection. Last evaluated: 2022-01-21. Review status: criteria provided, single submitter. Criteria: Ambry Variant Classification Scheme 2023. Collection method: clinical testing. Allele origin: germline.

GeneDx
Classification: Likely benign. Last evaluated: 2018-01-19. Review status: criteria provided, single submitter. Criteria: GeneDx Variant Classification (06012015). Collection method: clinical testing. Allele origin: germline. Affected: yes.
Comment: This variant is considered likely benign or benign based on one or more of the following criteria: it is a conservative change, it occurs at a poorly conserved position in the protein, it is predicted to be benign by multiple in silico algorithms, and/or has population frequency not consistent with disease.

PreventionGenetics, part of Exact Sciences
Classification: Likely benign. Review status: criteria provided, single submitter. Criteria: ACMG Guidelines, 2015. Collection method: clinical testing. Allele origin: germline.